The following is an entry in ClinVar:

ClinVar aggregate classification (germline): Likely benign (1 of 4 stars; one submission).

gnomAD v4.1: 16 of 1,612,428 alleles (0.00099%); highest among the groups gnomAD compares: Non-Finnish European, 0.0014%; no homozygotes.

Submission:

CeGaT Center for Human Genetics Tuebingen
Classification: Likely benign. Last evaluated: 2026-03-01. Review status: criteria provided, single submitter. Criteria: CeGaT Center For Human Genetics Tuebingen Variant Classification Criteria Version 2. Collection method: clinical testing. Allele origin: germline. Affected: yes. Observed: 1 variant allele.
Comment: TRIP13: BP4, BP7

NM_004237.4(TRIP13):c.228T>A (p.Ile76=)

Gene: TRIP13 (thyroid hormone receptor interactor 13; plus strand). Cytogenetic location: 5p15.33.
Variant type: single nucleotide variant.
Coding change: c.228T>A on transcript NM_004237.4 (MANE Select); coding-DNA position 228, T replaced by A.
Protein change: p.Ile76=; no amino-acid change (isoleucine 76 retained).
Molecular consequence: synonymous variant.
Genome position (GRCh38, 1-based): chr5:894,922, T>A. VCF-style: chr5-894922-T-A. GRCh37 (hg19) VCF-style: chr5-895037-T-A.
Other names: c.228T>A, p.Ile76= (NM_001166260.2).
Identifiers: ClinVar variation 4821720 (VCV004821720.4).
Genomic context (GRCh38, chr5:894,922, plus strand): 5'-CACATGGACTGAGTTTGATGAACCTTTTTTGACCAGAAATGTGCAGTCTGTGTCTATTAT[T>A]GACACAGAATTAAAGGTTAAAGACTCACAGGTAAGTTACTAATTTGCTGGGCCAAGGAAC-3'
Protein context (NP_004228.1, residues 66-86): LTRNVQSVSI[Ile76=]DTELKVKDSQ